The following is an entry in ClinVar:

NM_001010892.3(RSPH4A):c.281C>T (p.Pro94Leu)

Gene: RSPH4A (radial spoke head component 4A; plus strand). Cytogenetic location: 6q22.1.
Variant type: single nucleotide variant.
Coding change: c.281C>T on transcript NM_001010892.3 (MANE Select); coding-DNA position 281, C replaced by T.
Protein change: p.Pro94Leu; replaces proline 94 with leucine.
Molecular consequence: missense variant.
Genome position (GRCh38, 1-based): chr6:116,616,904, C>T. VCF-style: chr6-116616904-C-T. GRCh37 (hg19) VCF-style: chr6-116938067-C-T.
Other names: c.281C>T, p.Pro94Leu (NM_001161664.2); short protein forms P94L.
Identifiers: ClinVar variation 933631 (VCV000933631.10), dbSNP rs1397332406, ClinGen allele CA365391361.

ClinVar aggregate classification (germline): Uncertain significance (1 of 4 stars; one submission).

Conditions:
Primary ciliary dyskinesia. Also called: Ciliary dyskinesia. Identifiers: Orphanet 244, MedGen C0008780, MONDO:0016575, HP:0012265.

Allele frequency attached by ClinVar (database versions not stated): TOPMed 0.00001.
gnomAD v4.1: 2 of 1,614,052 alleles (0.00012%); highest among the groups gnomAD compares: East Asian, 0.0022%; no homozygotes.

Submission:

Labcorp Genetics (formerly Invitae), Labcorp
Classification: Uncertain significance for Primary ciliary dyskinesia. Last evaluated: 2020-03-14. Review status: criteria provided, single submitter. Criteria: Invitae Variant Classification Sherloc (09022015). Collection method: clinical testing. Allele origin: germline.
Comment: This variant is not present in population databases (ExAC no frequency). In summary, the available evidence is currently insufficient to determine the role of this variant in disease. Therefore, it has been classified as a Variant of Uncertain Significance. Algorithms developed to predict the effect of missense changes on protein structure and function output the following: SIFT: "Deleterious"; PolyPhen-2: "Benign"; Align-GVGD: "Class C0". The leucine amino acid residue is found in multiple mammalian species, suggesting that this missense change does not adversely affect protein function. These predictions have not been confirmed by published functional studies and their clinical significance is uncertain. This variant has not been reported in the literature in individuals with RSPH4A-related conditions. This sequence change replaces proline with leucine at codon 94 of the RSPH4A protein (p.Pro94Leu). The proline residue is weakly conserved and there is a moderate physicochemical difference between proline and leucine.